The following is an entry in ClinVar:

NM_000059.4(BRCA2):c.2365A>G (p.Lys789Glu)

Gene: BRCA2 (BRCA2 DNA repair associated; plus strand). Cytogenetic location: 13q13.1.
Variant type: single nucleotide variant.
Coding change: c.2365A>G on transcript NM_000059.4 (MANE Select); coding-DNA position 2365, A replaced by G.
Protein change: p.Lys789Glu; replaces lysine 789 with glutamic acid.
Molecular consequence: missense variant. On other transcripts: non-coding transcript variant (1), intron variant (2).
Genome position (GRCh38, 1-based): chr13:32,336,720, A>G. VCF-style: chr13-32336720-A-G. GRCh37 (hg19) VCF-style: chr13-32910857-A-G.
Other names: c.2365A>G, p.Lys789Glu (NM_001406719.1, NM_001406720.1); c.1909+3333A>G (NM_001406721.1); c.424+5690A>G (NM_001406722.1); short protein forms K789E.
Identifiers: ClinVar variation 2774887 (VCV002774887.2), dbSNP rs2137485734, ClinGen allele CA387771720.

ClinVar aggregate classification (germline): Uncertain significance (1 of 4 stars; one submission).

Conditions:
Hereditary cancer-predisposing syndrome. Also called: Neoplastic Syndromes, Hereditary; Tumor predisposition; Hereditary Cancer Syndrome; Hereditary neoplastic syndrome. Identifiers: Orphanet 140162, MedGen C0027672, MeSH D009386, MONDO:0015356.

Submission:

Color Diagnostics, LLC DBA Color Health
Classification: Uncertain significance for Hereditary cancer-predisposing syndrome. Last evaluated: 2024-03-06. Review status: criteria provided, single submitter. Criteria: ACMG Guidelines, 2015. Collection method: clinical testing. Allele origin: germline.
Comment: This missense variant replaces lysine with glutamic acid at codon 789 of the BRCA2 protein. Computational prediction suggests that this variant may not impact protein structure and function (internally defined REVEL score threshold <= 0.5, PMID: 27666373). To our knowledge, functional studies have not been reported for this variant. This variant has not been reported in individuals affected with hereditary cancer in the literature. This variant has not been identified in the general population by the Genome Aggregation Database (gnomAD). The available evidence is insufficient to determine the role of this variant in disease conclusively. Therefore, this variant is classified as a Variant of Uncertain Significance.